The following is an entry in ClinVar:

ClinVar aggregate classification (germline): Conflicting classifications of pathogenicity. Review status: criteria provided, conflicting classifications (1 of 4 stars). 2 submissions from 2 submitters: Uncertain significance (1); Likely benign (1). Last evaluated 2025-02-02.

Conditions:
Pityriasis rubra pilaris (PRP). Also called: Pityriasis rubra pilaris--familial type. Identifiers: Orphanet 2897, MedGen C0032027, MONDO:0100017, OMIM 173200, MONDO:0008251.
Psoriasis 2. Identifiers: MedGen C1864497, MONDO:0011269, OMIM 602723.

Allele frequency attached by ClinVar (database versions not stated): TOPMed 0.00001.
gnomAD v4.1: 15 of 1,613,122 alleles (0.00093%); highest among the groups gnomAD compares: East Asian, 0.0067%; no homozygotes.

Submissions (2):

Labcorp Genetics (formerly Invitae), Labcorp
Classification: Uncertain significance for Pityriasis rubra pilaris; Psoriasis 2. Last evaluated: 2025-02-02. Review status: criteria provided, single submitter. Criteria: Invitae Variant Classification Sherloc (09022015). Collection method: clinical testing. Allele origin: germline.
Comment: This sequence change replaces alanine, which is neutral and non-polar, with serine, which is neutral and polar, at codon 367 of the CARD14 protein (p.Ala367Ser). This variant is present in population databases (rs375882704, gnomAD 0.01%). This variant has not been reported in the literature in individuals affected with CARD14-related conditions. ClinVar contains an entry for this variant (Variation ID: 643479). Invitae Evidence Modeling of protein sequence and biophysical properties (such as structural, functional, and spatial information, amino acid conservation, physicochemical variation, residue mobility, and thermodynamic stability) indicates that this missense variant is not expected to disrupt CARD14 protein function with a negative predictive value of 95%. In summary, the available evidence is currently insufficient to determine the role of this variant in disease. Therefore, it has been classified as a Variant of Uncertain Significance.

Blueprint Genetics
Classification: Likely benign. Last evaluated: 2024-10-14. Review status: criteria provided, single submitter. Criteria: ACMG Guidelines, 2015. Collection method: clinical testing. Allele origin: germline.

NM_001366385.1(CARD14):c.1099G>T (p.Ala367Ser)

Gene: CARD14 (caspase recruitment domain family member 14; plus strand). Cytogenetic location: 17q25.3.
Variant type: single nucleotide variant.
Coding change: c.1099G>T on transcript NM_001366385.1 (MANE Select); coding-DNA position 1099, G replaced by T.
Protein change: p.Ala367Ser; replaces alanine 367 with serine.
Molecular consequence: missense variant. On other transcripts: non-coding transcript variant (1).
Genome position (GRCh38, 1-based): chr17:80,191,332, G>T. VCF-style: chr17-80191332-G-T. GRCh37 (hg19) VCF-style: chr17-78165131-G-T.
Other names: c.1099G>T, p.Ala367Ser (NM_001257970.1, NM_024110.4); c.388G>T, p.Ala130Ser (NM_052819.3); short protein forms A130S, A367S.
Identifiers: ClinVar variation 643479 (VCV000643479.10), dbSNP rs375882704, ClinGen allele CA8816676.